The following is an entry in ClinVar:

ClinVar aggregate classification (germline): Uncertain significance (1 of 4 stars; one submission).

Conditions:
Biotin-responsive basal ganglia disease (BTBGD). Also called: THIAMINE METABOLISM DYSFUNCTION SYNDROME 2 (BIOTIN- AND THIAMINE-RESPONSIVE TYPE); Thiamine metabolism dysfunction syndrome 2 (biotin- or thiamine-responsive encephalopathy type 2); thiamine-responsive encephalopathy; Thiamine metabolism dysfunction syndrome type 2; Thiamine Transporter-2 Deficiency. Identifiers: Orphanet 199348, Orphanet 65284, MedGen C1843807, MONDO:0011841, OMIM 607483.

Submission:

3billion
Classification: Uncertain significance for Biotin-responsive basal ganglia disease. Last evaluated: 2023-12-07. Review status: criteria provided, single submitter. Criteria: ACMG Guidelines, 2015. Collection method: clinical testing. Allele origin: germline. Affected: yes.
Comment: The variant is not observed in the gnomAD v2.1.1 dataset. Predicted Consequence/Location: Missense variant In silico tool predictions suggest damaging effect of the variant on gene or gene product [REVEL: 0.80 (>=0.6, sensitivity 0.68 and specificity 0.92); 3Cnet: 0.94 (>=0.6, sensitivity 0.72 and precision 0.9)]. Therefore, this variant is classified as VUS according to the recommendation of ACMG/AMP guideline.

NM_025243.4(SLC19A3):c.479T>G (p.Leu160Arg)

Gene: SLC19A3 (solute carrier family 19 member 3; minus strand). Cytogenetic location: 2q36.3.
Variant type: single nucleotide variant.
Coding change: c.479T>G on transcript NM_025243.4 (MANE Select); coding-DNA position 479, T replaced by G.
Protein change: p.Leu160Arg; replaces leucine 160 with arginine.
Molecular consequence: missense variant.
Genome position (GRCh38, 1-based): chr2:227,699,236, A>C on the plus strand (T>G on the coding strand, the complement: SLC19A3 is on the minus strand). VCF-style: chr2-227699236-A-C. GRCh37 (hg19) VCF-style: chr2-228563952-A-C.
Other names: c.479T>G, p.Leu160Arg (NM_001371411.1, NM_001371412.1); c.467T>G, p.Leu156Arg (NM_001371413.1, NM_001371414.1); short protein forms L156R, L160R.
Identifiers: ClinVar variation 3775268 (VCV003775268.1).